The following is an entry in ClinVar:

NM_005045.4(RELN):c.8047G>T (p.Glu2683Ter)

Gene: RELN (reelin; minus strand). Cytogenetic location: 7q22.1.
Variant type: single nucleotide variant.
Coding change: c.8047G>T on transcript NM_005045.4 (MANE Select); coding-DNA position 8047, G replaced by T.
Protein change: p.Glu2683Ter; replaces glutamic acid 2683 with a stop codon.
Molecular consequence: nonsense.
Genome position (GRCh38, 1-based): chr7:103,515,257, C>A on the plus strand (G>T on the coding strand, the complement: RELN is on the minus strand). VCF-style: chr7-103515257-C-A. GRCh37 (hg19) VCF-style: chr7-103155704-C-A.
Other names: c.8047G>T, p.Glu2683Ter (NM_173054.3); short protein forms E2683*.
Identifiers: ClinVar variation 1363442 (VCV001363442.6), dbSNP rs1829533362, ClinGen allele CA368762870.

ClinVar aggregate classification (germline): Pathogenic (1 of 4 stars; one submission).

Conditions:
Norman-Roberts syndrome (LIS2). Also called: Lissencephaly 2 (Norman-Roberts type). Identifiers: Orphanet 89844, MedGen C0796089, MONDO:0009760, OMIM 257320.
Familial temporal lobe epilepsy 7. Identifiers: Orphanet 101046, MedGen C4225327, MONDO:0014639, OMIM 616436.

Submission:

Labcorp Genetics (formerly Invitae), Labcorp
Classification: Pathogenic for Familial temporal lobe epilepsy 7; Norman-Roberts syndrome. Last evaluated: 2022-06-20. Review status: criteria provided, single submitter. Criteria: Invitae Variant Classification Sherloc (09022015). Collection method: clinical testing. Allele origin: germline.
Comment: This variant has not been reported in the literature in individuals affected with RELN-related conditions. This variant is not present in population databases (gnomAD no frequency). For these reasons, this variant has been classified as Pathogenic. This sequence change creates a premature translational stop signal (p.Glu2683*) in the RELN gene. It is expected to result in an absent or disrupted protein product. Loss-of-function variants in RELN are known to be pathogenic (PMID: 10973257, 26046367, 28454995).

Literature cited by the submitters: PubMed 10973257; PubMed 26046367; PubMed 28454995.